The following is an entry in ClinVar:

ClinVar aggregate classification (germline): Uncertain significance (1 of 4 stars; one submission).

Submission:

Labcorp Genetics (formerly Invitae), Labcorp
Classification: Uncertain significance. Last evaluated: 2022-07-06. Review status: criteria provided, single submitter. Criteria: Invitae Variant Classification Sherloc (09022015). Collection method: clinical testing. Allele origin: germline.
Comment: This sequence change creates a premature translational stop signal (p.Ile493Thrfs*18) in the TYRP1 gene. While this is not anticipated to result in nonsense mediated decay, it is expected to disrupt the last 45 amino acid(s) of the TYRP1 protein. This variant is present in population databases (no rsID available, gnomAD 0.0009%). This variant has not been reported in the literature in individuals affected with TYRP1-related conditions. Experimental studies and prediction algorithms are not available or were not evaluated, and the functional significance of this variant is currently unknown. In summary, the available evidence is currently insufficient to determine the role of this variant in disease. Therefore, it has been classified as a Variant of Uncertain Significance.

NM_000550.3(TYRP1):c.1474_1477dup (p.Ile493fs)

Genes: LURAP1L-AS1 (LURAP1L antisense RNA 1; minus strand), TYRP1 (tyrosinase related protein 1; plus strand). Cytogenetic location: 9p23.
Variant type: Duplication.
Coding change: c.1474_1477dup on transcript NM_000550.3 (MANE Select); coding-DNA positions 1474 to 1477, 4 bases duplicated (CTCA; older notation c.1474_1477dupCTCA).
Protein change: p.Ile493fs; shifts the reading frame from isoleucine 493.
Molecular consequence: frameshift variant.
Genome position (GRCh38, 1-based): chr9:12,709,042-12,709,045, CTCA duplicated; duplicating any 4 consecutive bases within chr9:12,709,040-12,709,045 gives the same sequence; the c. name uses the placement nearest the transcript's 3' end. VCF-style (leftmost placement, unchanged base first): chr9-12709039-G-GCACT. GRCh37 (hg19) VCF-style: chr9-12709039-G-GCACT.
Other names: short protein forms I493fs.
Identifiers: ClinVar variation 1933290 (VCV001933290.2), dbSNP rs1563858593, ClinGen allele CA586637174.